The following is an entry in ClinVar:

NM_152564.5(VPS13B):c.2706A>G (p.Lys902=)

Gene: VPS13B (vacuolar protein sorting 13 homolog B; plus strand). Cytogenetic location: 8q22.2.
Variant type: single nucleotide variant.
Coding change: c.2706A>G on transcript NM_152564.5 (MANE Select); coding-DNA position 2706, A replaced by G.
Protein change: p.Lys902=; no amino-acid change (lysine 902 retained).
Molecular consequence: synonymous variant.
Genome position (GRCh38, 1-based): chr8:99,275,136, A>G. VCF-style: chr8-99275136-A-G. GRCh37 (hg19) VCF-style: chr8-100287364-A-G.
Other names: c.2706A>G, p.Lys902= (NM_017890.5).
Identifiers: ClinVar variation 4990646 (VCV004990646.1).

ClinVar aggregate classification (germline): Likely benign (1 of 4 stars; one submission).

Conditions:
VPS13B-related disorder. Also called: VPS13B-related condition.

gnomAD v4.1: 1 of 1,612,492 alleles (0.000062%); highest among the groups gnomAD compares: Non-Finnish European, 0.000085%; no homozygotes.

Submission:

PreventionGenetics, part of Exact Sciences
Classification: Likely benign for VPS13B-related condition. Last evaluated: 2025-12-29. Review status: criteria provided, single submitter. Criteria: ACMG Guidelines, 2015. Collection method: clinical testing. Allele origin: germline.
Comment: This variant is classified as likely benign based on ACMG/AMP sequence variant interpretation guidelines (Richards et al. 2015 PMID: 25741868, with internal and published modifications).